The following is an entry in ClinVar:

ClinVar aggregate classification (germline): Uncertain significance (1 of 4 stars; one submission).

Conditions:
Malignant hyperthermia, susceptibility to, 1 (MHS1). Also called: RYR1-Related Malignant Hyperthermia Susceptibility; Malignant hyperthermia suceptibility 1; Anesthesia related hyperthermia; Malignant hyperpyrexia; Fulminating hyperpyrexia; Pharmacogenic myopathy. Identifiers: Orphanet 423, MedGen C2930980, MONDO:0007783, OMIM 145600.

gnomAD v4.1: 1 of 1,613,888 alleles (0.000062%); highest among the groups gnomAD compares: Non-Finnish European, 0.000085%; no homozygotes.

Submission:

Color Diagnostics, LLC DBA Color Health
Classification: Uncertain significance for Malignant hyperthermia, susceptibility to, 1. Last evaluated: 2025-08-17. Review status: criteria provided, single submitter. Criteria: ACMG Guidelines, 2015. Collection method: clinical testing. Allele origin: germline.
Comment: This missense variant replaces proline with arginine at codon 732 of the RYR1 protein. Computational prediction is inconclusive regarding the impact of this variant on protein structure and function. To our knowledge, functional studies have not been reported for this variant. This variant has not been reported in individuals affected with RYR1-related disorders in the literature. This variant has not been identified in the general population by the Genome Aggregation Database (gnomAD). The available evidence is insufficient to determine the role of this variant in disease conclusively. Therefore, this variant is classified as a Variant of Uncertain Significance.

NM_000540.3(RYR1):c.2195C>G (p.Pro732Arg)

Gene: RYR1 (ryanodine receptor 1; plus strand). Cytogenetic location: 19q13.2.
Variant type: single nucleotide variant.
Coding change: c.2195C>G on transcript NM_000540.3 (MANE Select); coding-DNA position 2195, C replaced by G.
Protein change: p.Pro732Arg; replaces proline 732 with arginine.
Molecular consequence: missense variant.
Genome position (GRCh38, 1-based): chr19:38,459,173, C>G. VCF-style: chr19-38459173-C-G. GRCh37 (hg19) VCF-style: chr19-38949813-C-G.
Other names: c.2195C>G, p.Pro732Arg (NM_001042723.2); short protein forms P732R.
Identifiers: ClinVar variation 4758052 (VCV004758052.1).